The following is an entry in ClinVar:

ClinVar aggregate classification (germline): Uncertain significance. Review status: criteria provided, multiple submitters, no conflicts (2 of 4 stars). 2 submissions from 2 submitters: Uncertain significance (2). Last evaluated 2026-04-03.

Conditions:
Inborn genetic diseases. Identifiers: MedGen C0950123, MeSH D030342.

Submissions (2):

Ambry Genetics
Classification: Uncertain significance for Inborn genetic diseases. Last evaluated: 2026-04-03. Review status: criteria provided, single submitter. Criteria: Ambry Variant Classification Scheme 2023. Collection method: clinical testing. Allele origin: germline.
Comment: The p.S450T variant (also known as c.1348T>A), located in coding exon 1 of the SAMD9L gene, results from a T to A substitution at nucleotide position 1348. The serine at codon 450 is replaced by threonine, an amino acid with similar properties. This amino acid position is conserved. In addition, the in silico prediction for this alteration is inconclusive. Based on the available evidence, the clinical significance of this variant remains unclear.

Labcorp Genetics (formerly Invitae), Labcorp
Classification: Uncertain significance. Last evaluated: 2024-09-28. Review status: criteria provided, single submitter. Criteria: Invitae Variant Classification Sherloc (09022015). Collection method: clinical testing. Allele origin: germline.
Comment: This sequence change replaces serine, which is neutral and polar, with threonine, which is neutral and polar, at codon 450 of the SAMD9L protein (p.Ser450Thr). This variant is not present in population databases (gnomAD no frequency). This variant has not been reported in the literature in individuals affected with SAMD9L-related conditions. Invitae Evidence Modeling of protein sequence and biophysical properties (such as structural, functional, and spatial information, amino acid conservation, physicochemical variation, residue mobility, and thermodynamic stability) has been performed for this missense variant. However, the output from this modeling did not meet the statistical confidence thresholds required to predict the impact of this variant on SAMD9L protein function. In summary, the available evidence is currently insufficient to determine the role of this variant in disease. Therefore, it has been classified as a Variant of Uncertain Significance.

NM_152703.5(SAMD9L):c.1348T>A (p.Ser450Thr)

Gene: SAMD9L (sterile alpha motif domain containing 9 like; minus strand). Cytogenetic location: 7q21.2.
Variant type: single nucleotide variant.
Coding change: c.1348T>A on transcript NM_152703.5 (MANE Select); coding-DNA position 1348, T replaced by A.
Protein change: p.Ser450Thr; replaces serine 450 with threonine.
Molecular consequence: missense variant.
Genome position (GRCh38, 1-based): chr7:93,134,624, A>T on the plus strand (T>A on the coding strand, the complement: SAMD9L is on the minus strand). VCF-style: chr7-93134624-A-T. GRCh37 (hg19) VCF-style: chr7-92763937-A-T.
Other names: c.1348T>A, p.Ser450Thr (NM_001303496.3, NM_001303497.3, NM_001303498.3 and 5 more transcripts); c.1348T>A (NM_152703.2); short protein forms S450T.
Identifiers: ClinVar variation 3690559 (VCV003690559.3).